The following is an entry in ClinVar:

ClinVar aggregate classification (germline): Uncertain significance (1 of 4 stars; one submission).

Submission:

Labcorp Genetics (formerly Invitae), Labcorp
Classification: Uncertain significance. Last evaluated: 2020-11-28. Review status: criteria provided, single submitter. Criteria: Invitae Variant Classification Sherloc (09022015). Collection method: clinical testing. Allele origin: germline.
Comment: In summary, the available evidence is currently insufficient to determine the role of this variant in disease. Therefore, it has been classified as a Variant of Uncertain Significance. This variant is not present in population databases (ExAC no frequency). This variant has not been reported in the literature in individuals with MYO1E-related conditions. Algorithms developed to predict the effect of missense changes on protein structure and function (SIFT, PolyPhen-2, Align-GVGD) all suggest that this variant is likely to be disruptive, but these predictions have not been confirmed by published functional studies and their clinical significance is uncertain. This sequence change replaces arginine with glycine at codon 617 of the MYO1E protein (p.Arg617Gly). The arginine residue is highly conserved and there is a moderate physicochemical difference between arginine and glycine.

NM_004998.4(MYO1E):c.1849C>G (p.Arg617Gly)

Gene: MYO1E (myosin IE; minus strand). Cytogenetic location: 15q22.2.
Variant type: single nucleotide variant.
Coding change: c.1849C>G on transcript NM_004998.4 (MANE Select); coding-DNA position 1849, C replaced by G.
Protein change: p.Arg617Gly; replaces arginine 617 with glycine.
Molecular consequence: missense variant.
Genome position (GRCh38, 1-based): chr15:59,188,173, G>C on the plus strand (C>G on the coding strand, the complement: MYO1E is on the minus strand). VCF-style: chr15-59188173-G-C. GRCh37 (hg19) VCF-style: chr15-59480372-G-C.
Other names: short protein forms R617G.
Identifiers: ClinVar variation 1504429 (VCV001504429.8), dbSNP rs1344931713, ClinGen allele CA392641293.
Genomic context (GRCh38, chr15:59,188,173, plus strand): 5'-ATTACCTCTGTAGGAATTTTTGGAAGATGCGCCGATAGGCATAGCCAGCTCTTCTCACTC[G>C]AATGTTCTCTTTCAGACCCAAATATTCGACTTGATGCTTTACCCTGTGCAAAGGAGAAAA-3'
Protein context (NP_004989.2, residues 607-627): VEYLGLKENI[Arg617Gly]VRRAGYAYRR